The following is an entry in ClinVar:

ClinVar aggregate classification (germline): Uncertain significance. Review status: criteria provided, multiple submitters, no conflicts (2 of 4 stars). 2 submissions from 2 submitters: Uncertain significance (2). Last evaluated 2025-09-22.

Conditions:
Cardiovascular phenotype. Identifiers: MedGen CN230736.

Allele frequency attached by ClinVar (database versions not stated): TOPMed 0.00001.
gnomAD v4.1: 16 of 1,550,440 alleles (0.001%); highest among the groups gnomAD compares: Non-Finnish European, 0.0014%; no homozygotes.

Submissions (2):

Women's Health and Genetics/Laboratory Corporation of America, LabCorp
Classification: Uncertain significance. Last evaluated: 2025-09-22. Review status: criteria provided, single submitter. Criteria: LabCorp Variant Classification Summary - May 2015. Collection method: clinical testing. Allele origin: germline.
Comment: Variant summary: ZNF469 c.8366T>C (p.Val2789Ala) results in a non-conservative amino acid change in the encoded protein sequence. Algorithms developed to predict the effect of missense changes on protein structure and function are either unavailable or do not agree on the potential impact of this missense change. The variant allele was found at a frequency of 6.5e-06 in 153764 control chromosomes. The available data on variant occurrences in the general population are insufficient to allow any conclusion about variant significance. To our knowledge, no occurrence of c.8366T>C in individuals affected with ZNF469-related conditions and no experimental evidence demonstrating its impact on protein function have been reported. ClinVar contains an entry for this variant (Variation ID: 1762737). Based on the evidence outlined above, the variant was classified as uncertain significance.

Ambry Genetics
Classification: Uncertain significance for Cardiovascular phenotype. Last evaluated: 2021-11-19. Review status: criteria provided, single submitter. Criteria: Ambry Variant Classification Scheme 2023. Collection method: clinical testing. Allele origin: germline.
Comment: The p.V2761A variant (also known as c.8282T>C), located in coding exon 2 of the ZNF469 gene, results from a T to C substitution at nucleotide position 8282. The valine at codon 2761 is replaced by alanine, an amino acid with similar properties. This amino acid position is conserved. In addition, this alteration is predicted to be tolerated by in silico analysis. Since supporting evidence is limited at this time, the clinical significance of this alteration remains unclear.

NM_001367624.2(ZNF469):c.8366T>C (p.Val2789Ala)

Gene: ZNF469 (zinc finger protein 469; plus strand). Cytogenetic location: 16q24.2.
Variant type: single nucleotide variant.
Coding change: c.8366T>C on transcript NM_001367624.2 (MANE Select); coding-DNA position 8366, T replaced by C.
Protein change: p.Val2789Ala; replaces valine 2789 with alanine.
Molecular consequence: missense variant.
Genome position (GRCh38, 1-based): chr16:88,435,836, T>C. VCF-style: chr16-88435836-T-C. GRCh37 (hg19) VCF-style: chr16-88502244-T-C.
Other names: NM_001127464.1:c.8282T>C; short protein forms V2789A.
Identifiers: ClinVar variation 1762737 (VCV001762737.3), dbSNP rs1014387847, ClinGen allele CA286383975.